The following is an entry in ClinVar:

NM_000548.5(TSC2):c.600-6C>A

Gene: TSC2 (TSC complex subunit 2; plus strand). Cytogenetic location: 16p13.3.
Variant type: single nucleotide variant.
Coding change: c.600-6C>A on transcript NM_000548.5 (MANE Select); 6 bases into the intron before coding-DNA position 600, C replaced by A.
Molecular consequence: intron variant. On other transcripts: 5 prime UTR variant (4).
Genome position (GRCh38, 1-based): chr16:2,056,190, C>A. VCF-style: chr16-2056190-C-A. GRCh37 (hg19) VCF-style: chr16-2106191-C-A.
Other names: c.-7C>A (NM_001406680.1, NM_001406683.1, NM_001406687.1); c.-838C>A (NM_001406693.1); c.690-6C>A (NM_001406667.1, NM_001406668.1); c.-832-6C>A (NM_001406689.1, NM_001406690.1, NM_001406692.1 and 2 more transcripts); c.-1008-6C>A (NM_001406698.1); c.600-6C>A (NM_001114382.3, NM_001406663.1, NM_001406664.1 and 8 more transcripts); c.-713-6C>A (NM_001406694.1, NM_001406695.1); c.-820-6C>A (NM_001406696.1); and 6 more.
Identifiers: ClinVar variation 4756636 (VCV004756636.1).

ClinVar aggregate classification (germline): Uncertain significance (1 of 4 stars; one submission).

Conditions:
Tuberous sclerosis syndrome (TSC). Also called: Tuberous Sclerosis Complex; Tuberous sclerosis. Identifiers: Orphanet 805, MedGen C0041341, MONDO:0001734.

Submission:

Color Diagnostics, LLC DBA Color Health
Classification: Uncertain significance for Tuberous sclerosis syndrome. Last evaluated: 2025-09-30. Review status: criteria provided, single submitter. Criteria: ACMG Guidelines, 2015. Collection method: clinical testing. Allele origin: germline.
Comment: This variant causes a C to A nucleotide substitution at the -6 position of intron 6 of the TSC2 gene. To our knowledge, RNA studies have not been reported for this variant. This variant has not been reported in individuals affected with TSC2-related disorders in the literature. This variant has not been identified in the general population by the Genome Aggregation Database (gnomAD). The available evidence is insufficient to determine the role of this variant in disease conclusively. Therefore, this variant is classified as a Variant of Uncertain Significance.